The following is an entry in ClinVar:

ClinVar aggregate classification (germline): Conflicting classifications of pathogenicity. Review status: criteria provided, conflicting classifications (1 of 4 stars). 3 submissions from 3 submitters: Uncertain significance (1); Likely benign (1). 1 of the submissions does not count toward it. Last evaluated 2026-01-02.

Conditions:
Primary ciliary dyskinesia. Also called: Ciliary dyskinesia. Identifiers: Orphanet 244, MedGen C0008780, MONDO:0016575, HP:0012265.

Allele frequency attached by ClinVar (database versions not stated): gnomAD 0.00007 and 0.00008; TOPMed 0.00007; ESP Exome Variant Server 0.00008.
gnomAD v4.1: 80 of 1,614,034 alleles (0.005%); highest among the groups gnomAD compares: Non-Finnish European, 0.0063%; no homozygotes.

Submissions (3):

Labcorp Genetics (formerly Invitae), Labcorp
Classification: Likely benign for Primary ciliary dyskinesia. Last evaluated: 2026-01-02. Review status: criteria provided, single submitter. Criteria: Invitae Variant Classification Sherloc (09022015). Collection method: clinical testing. Allele origin: germline.

Ambry Genetics
Classification: Uncertain significance for Primary ciliary dyskinesia. Last evaluated: 2020-10-09. Review status: criteria provided, single submitter. Criteria: Ambry Variant Classification Scheme 2023. Collection method: clinical testing. Allele origin: germline.
Comment: The p.I824T variant (also known as c.2471T>C), located in coding exon 17 of the DNAH5 gene, results from a T to C substitution at nucleotide position 2471. The isoleucine at codon 824 is replaced by threonine, an amino acid with similar properties. This amino acid position is not well conserved in available vertebrate species. In addition, this alteration is predicted to be tolerated by in silico analysis. Since supporting evidence is limited at this time, the clinical significance of this alteration remains unclear.

Natera, Inc.
Classification: Uncertain significance for Primary ciliary dyskinesia. Last evaluated: 2020-02-21. Review status: no assertion criteria provided. Collection method: clinical testing. Allele origin: germline. Not counted in ClinVar's aggregate classification.

NM_001369.3(DNAH5):c.2471T>C (p.Ile824Thr)

Genes: DNAH5 (dynein axonemal heavy chain 5; minus strand), DNAH5-AS1 (DNAH5 antisense RNA 1; plus strand). Cytogenetic location: 5p15.2.
Variant type: single nucleotide variant.
Coding change: c.2471T>C on transcript NM_001369.3 (MANE Select); coding-DNA position 2471, T replaced by C.
Protein change: p.Ile824Thr; replaces isoleucine 824 with threonine.
Molecular consequence: missense variant.
Genome position (GRCh38, 1-based): chr5:13,891,082, A>G on the plus strand (T>C on the coding strand, the complement: DNAH5 is on the minus strand). VCF-style: chr5-13891082-A-G. GRCh37 (hg19) VCF-style: chr5-13891191-A-G.
Other names: short protein forms I824T.
Identifiers: ClinVar variation 650418 (VCV000650418.12), dbSNP rs147108941, ClinGen allele CA3204576.
Genomic context (GRCh38, chr5:13,891,082, plus strand): 5'-GGAAGCTGACAAAGAGGCGTGCTGCTCATTTCTTCTAGAATGGCATCAATGCGGAACTCA[A>G]TCAAATCATTGACCCTGTCAAGCAGCAACTCCAGGTCCTCTTTGGGAAAAAATAAAAGTA-3'
Protein context (NP_001360.1, residues 814-834): ELLLDRVNDL[Ile824Thr]EFRIDAILEE